The following is an entry in ClinVar:

ClinVar aggregate classification (germline): Likely benign (1 of 4 stars; one submission).

gnomAD v4.1: 17 of 1,508,740 alleles (0.0011%); highest among the groups gnomAD compares: Admixed American, 0.0023%; no homozygotes.

Submission:

CeGaT Center for Human Genetics Tuebingen
Classification: Likely benign. Last evaluated: 2024-10-01. Review status: criteria provided, single submitter. Criteria: CeGaT Center For Human Genetics Tuebingen Variant Classification Criteria Version 2. Collection method: clinical testing. Allele origin: germline. Affected: yes. Observed: 1 variant allele.
Comment: CUX2: BP4, BP7

NM_015267.4(CUX2):c.1470G>A (p.Leu490=)

Gene: CUX2 (cut like homeobox 2; plus strand). Cytogenetic location: 12q24.12.
Variant type: single nucleotide variant.
Coding change: c.1470G>A on transcript NM_015267.4 (MANE Select); coding-DNA position 1470, G replaced by A.
Protein change: p.Leu490=; no amino-acid change (leucine 490 retained).
Molecular consequence: synonymous variant.
Genome position (GRCh38, 1-based): chr12:111,310,252, G>A. VCF-style: chr12-111310252-G-A. GRCh37 (hg19) VCF-style: chr12-111748056-G-A.
Other names: c.1284G>A, p.Leu428= (NM_001370598.1).
Identifiers: ClinVar variation 3389811 (VCV003389811.14).